The following is an entry in ClinVar:

NM_001609.4(ACADSB):c.1102T>C (p.Ser368Pro)

Gene: ACADSB (acyl-CoA dehydrogenase short/branched chain; plus strand). Cytogenetic location: 10q26.13.
Variant type: single nucleotide variant.
Coding change: c.1102T>C on transcript NM_001609.4 (MANE Select); coding-DNA position 1102, T replaced by C.
Protein change: p.Ser368Pro; replaces serine 368 with proline.
Molecular consequence: missense variant.
Genome position (GRCh38, 1-based): chr10:123,051,160, T>C. VCF-style: chr10-123051160-T-C. GRCh37 (hg19) VCF-style: chr10-124810676-T-C.
Other names: c.796T>C, p.Ser266Pro (NM_001330174.3); short protein forms S266P, S368P.
Identifiers: ClinVar variation 857375 (VCV000857375.9), dbSNP rs774205809, ClinGen allele CA5730911.

ClinVar aggregate classification (germline): Uncertain significance. Review status: criteria provided, multiple submitters, no conflicts (2 of 4 stars). 3 submissions from 3 submitters: Uncertain significance (3). Last evaluated 2025-03-03.

Conditions:
Deficiency of 2-methylbutyryl-CoA dehydrogenase (ACADSB). Also called: 2-methylbutyryl-CoA dehydrogenase deficiency; SBCAD deficiency; 2-methylbutyric aciduria; Short branched-chain acyl-CoA dehydrogenase deficiency; 2-methylbutyrylglycinuria. Identifiers: Orphanet 79157, MedGen C1864912, MONDO:0012392, OMIM 610006, HP:0020147.

Allele frequency attached by ClinVar (database versions not stated): gnomAD exomes 0.00007 and 0.00026; ExAC 0.00010; gnomAD 0.00040 and 0.00042.
gnomAD v4.1: 143 of 1,476,178 alleles (0.0097%); highest among the groups gnomAD compares: Admixed American, 0.15%; no homozygotes.

Submissions (3):

Women's Health and Genetics/Laboratory Corporation of America, LabCorp
Classification: Uncertain significance. Last evaluated: 2025-03-03. Review status: criteria provided, single submitter. Criteria: LabCorp Variant Classification Summary - May 2015. Collection method: clinical testing. Allele origin: germline.
Comment: Variant summary: ACADSB c.1102T>C (p.Ser368Pro) results in a non-conservative amino acid change in the encoded protein sequence. Five of five in-silico tools predict a damaging effect of the variant on protein function. The variant allele was found at a frequency of 0.00026 in 222712 control chromosomes. This frequency is not significantly higher than estimated for a pathogenic variant in ACADSB causing Deficiency of 2-methylbutyryl-CoA Dehydrogenase (0.00026 vs 0.0011), allowing no conclusion about variant significance. c.1102T>C has been reported in the literature in individuals affected with Deficiency of 2-methylbutyryl-CoA Dehydrogenase (examples: Korman_2004, Rossi_2022). These data indicate that the variant may be associated with disease. To our knowledge, no experimental evidence demonstrating an impact on protein function has been reported. The following publications have been ascertained in the context of this evaluation (PMID: 15615815, 36147814). ClinVar contains an entry for this variant (Variation ID: 857375). Based on the evidence outlined above, the variant was classified as VUS-possibly pathogenic.

Labcorp Genetics (formerly Invitae), Labcorp
Classification: Uncertain significance for Deficiency of 2-methylbutyryl-CoA dehydrogenase. Last evaluated: 2022-02-11. Review status: criteria provided, single submitter. Criteria: Invitae Variant Classification Sherloc (09022015). Collection method: clinical testing. Allele origin: germline.
Comment: This sequence change replaces serine, which is neutral and polar, with proline, which is neutral and non-polar, at codon 368 of the ACADSB protein (p.Ser368Pro). This variant is present in population databases (rs774205809, gnomAD 0.2%). This missense change has been observed in individual(s) with 2-methylbutyryl-CoA dehydrogenase deficiency (PMID: 15615815; Invitae). ClinVar contains an entry for this variant (Variation ID: 857375). Algorithms developed to predict the effect of missense changes on protein structure and function are either unavailable or do not agree on the potential impact of this missense change (SIFT: "Tolerated"; PolyPhen-2: "Possibly Damaging"; Align-GVGD: "Class C0"). In summary, the available evidence is currently insufficient to determine the role of this variant in disease. Therefore, it has been classified as a Variant of Uncertain Significance.

Fulgent Genetics
Classification: Uncertain significance for Deficiency of 2-methylbutyryl-CoA dehydrogenase. Last evaluated: 2021-10-08. Review status: criteria provided, single submitter. Criteria: ACMG Guidelines, 2015. Collection method: clinical testing. Allele origin: unknown.

Literature cited by the submitters: PubMed 15615815 (cited by Women's Health and Genetics/Laboratory Corporation of America, LabCorp and Labcorp Genetics (formerly Invitae), Labcorp); PubMed 36147814 (cited by Women's Health and Genetics/Laboratory Corporation of America, LabCorp).